The following is an entry in ClinVar:

NM_000321.3(RB1):c.607+1G>A

Gene: RB1 (RB transcriptional corepressor 1; plus strand). Cytogenetic location: 13q14.2.
Variant type: single nucleotide variant.
Coding change: c.607+1G>A on transcript NM_000321.3 (MANE Select); the canonical splice donor site of the intron after coding-DNA position 607, G replaced by A.
Molecular consequence: splice donor variant.
Genome position (GRCh38, 1-based): chr13:48,349,024, G>A. VCF-style: chr13-48349024-G-A. GRCh37 (hg19) VCF-style: chr13-48923160-G-A.
Other names: c.607+1G>A (NM_001407166.1, NM_001407165.1).
Identifiers: ClinVar variation 419970 (VCV000419970.51), dbSNP rs587776789, ClinGen allele CA16619811.
Genomic context (GRCh38, chr13:48,349,024, plus strand): 5'-CTGAAATAAATTCTGCATTGGTGCTAAAAGTTTCTTGGATCACATTTTTATTAGCTAAAG[G>A]TAAGTTCATTATATTTATTAAATGCTAATATTTCAAATGTAATAATTAAATTGGCATTCC-3'

ClinVar aggregate classification (germline): Pathogenic. Review status: criteria provided, multiple submitters, no conflicts (2 of 4 stars). 10 submissions from 10 submitters: Pathogenic (9). 1 of the submissions does not count toward it. Last evaluated 2026-04-30.

Conditions:
Hereditary retinoblastoma. Identifiers: Orphanet 357027, MedGen C0751483, MONDO:0018160.
RB1-related disorder. Also called: RB1-related condition.
Hereditary cancer-predisposing syndrome. Also called: Tumor predisposition; Hereditary neoplastic syndrome; Hereditary Cancer Syndrome; Neoplastic Syndromes, Hereditary. Identifiers: Orphanet 140162, MedGen C0027672, MeSH D009386, MONDO:0015356.
Retinoblastoma (RB1). Also called: RETINOBLASTOMA, SOMATIC. Identifiers: Orphanet 790, MedGen C0035335, MeSH D012175, MONDO:0008380, OMIM 180200, HP:0009919. Disease mechanism: loss of function. Inheritance: Both sporadic and heritable forms are tested..
Lynch syndrome 4 (LYNCH4). Also called: Colorectal cancer, hereditary nonpolyposis, type 4; Hereditary non-polyposis colorectal cancer, type 4. Identifiers: Orphanet 144, MedGen C1838333, MONDO:0013699, OMIM 614337. Disease mechanism: loss of function.

Submissions (11):

Myriad Genetics, Inc.
Classification: Pathogenic for Retinoblastoma. Last evaluated: 2026-04-30. Review status: criteria provided, single submitter. Criteria: Myriad Autosomal Dominant, Autosomal Recessive and X-Linked Classification Criteria (2023). Collection method: clinical testing. Allele origin: unknown.
Comment: This variant is considered pathogenic. This variant occurs within a consensus splice junction and is predicted to result in abnormal mRNA splicing of either an out-of-frame exon or an in-frame exon necessary for protein stability and/or normal function. This variant has been reported in multiple individuals with clinical features of gene-specific disease [PMID: 30031154, 22205104, 33493472, 40317918, 34277001, 33225895, 7795591].

Ramesar Group, Division of Human Genetics, Institute of Infectious Diseases and Molecular Medicine, UCT/MRC Genomic and Precision Medicine Research Unit, University of Cape Town
Classification: Pathogenic for Hereditary retinoblastoma. Last evaluated: 2025-09-17. Review status: criteria provided, single submitter. Criteria: ACMG Guidelines, 2015. Collection method: research. Allele origin: germline. Affected: yes. Observed: 1 variant allele.
Comment: PVS1: Null variant (canonical +1 splice site) in a gene (RB1) where LOF is a known mechanism of disease PM2: Absent from gnomAD and ExAC PP3: SpliceAI informs an acceptor loss and donor loss score of 0.72 and 0.97, respectively PP4: Patients presents with bilateral retinoblastoma PP5: Reported as pathogenic in ClinVar

Genetic Diagnostic Laboratory, University of Pennsylvania School of Medicine
Classification: Pathogenic for Retinoblastoma. Last evaluated: 2024-05-20. Review status: criteria provided, single submitter. Criteria: ACMG Guidelines, 2015. Collection method: clinical testing. Allele origin: germline. Affected: yes. Observed: 9 variant alleles.
Comment: Case and Pedigree Information: BILATERAL CASES:9, UNILATERAL CASES:0, TOTAL CASES:9, PEDIGREES:9. ACMG Codes Applied:PVS1, PM2, PS4SUP

Labcorp Genetics (formerly Invitae), Labcorp
Classification: Pathogenic for Retinoblastoma. Last evaluated: 2024-05-02. Review status: criteria provided, single submitter. Criteria: Invitae Variant Classification Sherloc (09022015). Collection method: clinical testing. Allele origin: germline.
Comment: This sequence change affects a donor splice site in intron 6 of the RB1 gene. It is expected to disrupt RNA splicing. Variants that disrupt the donor or acceptor splice site typically lead to a loss of protein function (PMID: 16199547), and loss-of-function variants in RB1 are known to be pathogenic (PMID: 17096365). This variant is not present in population databases (gnomAD no frequency). Disruption of this splice site has been observed in individual(s) with retinoblastoma (PMID: 7795591, 34277001). In at least one individual the variant was observed to be de novo. This variant is also known as intron 6+1G>A. ClinVar contains an entry for this variant (Variation ID: 419970). Algorithms developed to predict the effect of sequence changes on RNA splicing suggest that this variant may disrupt the consensus splice site. For these reasons, this variant has been classified as Pathogenic.

Baylor Genetics
Classification: Pathogenic for Retinoblastoma. Last evaluated: 2024-02-05. Review status: criteria provided, single submitter. Criteria: ACMG Guidelines, 2015. Collection method: clinical testing. Allele origin: unknown.

GeneDx
Classification: Pathogenic. Last evaluated: 2023-05-08. Review status: criteria provided, single submitter. Criteria: GeneDx Variant Classification Process June 2021. Collection method: clinical testing. Allele origin: germline. Affected: yes.
Comment: Canonical splice site variant predicted to result in a null allele in a gene for which loss of function is a known mechanism of disease; Not observed at significant frequency in large population cohorts (gnomAD); Also known as g.45867G>A; This variant is associated with the following publications: (PMID: 25525159, 7795591, 14722923, 8776589, 12541220, 16343894, 17096365, 33493472, 34277001)

CeGaT Center for Human Genetics Tuebingen
Classification: Pathogenic. Last evaluated: 2022-02-01. Review status: criteria provided, single submitter. Criteria: CeGaT Center For Human Genetics Tuebingen Variant Classification Criteria Version 2. Collection method: clinical testing. Allele origin: germline. Affected: yes. Observed: 1 variant allele.

Blueprint Genetics
Classification: Pathogenic for RB1-related disorders. Last evaluated: 2020-06-26. Review status: criteria provided, single submitter. Criteria: ACMG Guidelines, 2015. Collection method: clinical testing. Allele origin: germline. Affected: yes. Observed: 1 variant allele.

Ambry Genetics
Classification: Pathogenic for Hereditary cancer-predisposing syndrome. Last evaluated: 2016-10-25. Review status: criteria provided, single submitter. Criteria: Ambry Variant Classification Scheme 2023. Collection method: clinical testing. Allele origin: germline.
Comment: The c.607+1G>A intronic pathogenic mutation results from a G to A substitution one nucleotide after coding exon 6 of the RB1 gene. This pathogenic mutation has been reported in numerous individuals with bilateral retinoblastoma (Blanquet V et al. Hum. Mol. Genet. 1995 Mar;4:383-8; Houdayer C et al. Hum. Mutat. 2004 Feb;23:193-202; Nichols KE et al. Hum. Mutat. 2005 Jun;25:566-74; Brichard B et al. Eur. J. Cancer 2006 Jan;42:65-72). Of note, this alteration is also referred to as 745+1G>A and g.45867G>A in the literature. In addition to the clinical data presented in the literature, alterations that disrupt the canonical splice site are expected to cause aberrant splicing, resulting in an abnormal protein or a transcript that is subject to nonsense-mediated mRNA decay. As such, this alteration is classified as a disease-causing mutation.

Bioscientia Institut fuer Medizinische Diagnostik GmbH, Sonic Healthcare
Classification: Pathogenic for Lynch syndrome 4. Last evaluated: 2018-09-27. Review status: no assertion criteria provided. Collection method: clinical testing. Allele origin: germline. Affected: yes. Not counted in ClinVar's aggregate classification.

Dr. Peter K. Rogan Lab, Western University
No classification provided (evidence only). Condition: Hepatocellular carcinoma. Review status: no classification provided. Collection method: in vitro. Allele origin: not applicable. Functional consequence: retained intron. Not counted in ClinVar's aggregate classification.

Literature cited by the submitters: PubMed 30031154 (cited by Myriad Genetics, Inc.); PubMed 22205104 (cited by Myriad Genetics, Inc.); PubMed 33493472 (cited by Myriad Genetics, Inc.); PubMed 40317918 (cited by Myriad Genetics, Inc.); PubMed 34277001 (cited by Myriad Genetics, Inc. and Labcorp Genetics (formerly Invitae), Labcorp); PubMed 33225895 (cited by Myriad Genetics, Inc.); PubMed 7795591 (cited by 3 submitters); PubMed 16199547 (cited by Labcorp Genetics (formerly Invitae), Labcorp); PubMed 17096365 (cited by Labcorp Genetics (formerly Invitae), Labcorp); PubMed 12541220 (cited by Ambry Genetics); PubMed 14722923 (cited by Ambry Genetics); PubMed 15884040 (cited by Ambry Genetics); PubMed 16343894 (cited by Ambry Genetics).